The following is an entry in ClinVar:

ClinVar aggregate classification (germline): Likely benign. Review status: reviewed by expert panel (3 of 4 stars). 2 submissions from 2 submitters: Likely benign (1). 1 of the submissions does not count toward it. Last evaluated 2017-06-29.

Conditions:
Hereditary cancer-predisposing syndrome. Also called: Tumor predisposition; Hereditary Cancer Syndrome; Hereditary neoplastic syndrome; Neoplastic Syndromes, Hereditary. Identifiers: Orphanet 140162, MedGen C0027672, MeSH D009386, MONDO:0015356.
Breast-ovarian cancer, familial, susceptibility to, 2 (BROVCA2). Also called: BRCA2 Hereditary Breast and Ovarian Cancer. Identifiers: Orphanet 145, MedGen C2675520, MONDO:0012933, OMIM 612555. Disease mechanism: loss of function.

Submissions (2):

Evidence-based Network for the Interpretation of Germline Mutant Alleles (ENIGMA)
Classification: Likely benign for Breast-ovarian cancer, familial, susceptibility to, 2. Last evaluated: 2017-06-29. Review status: reviewed by expert panel. Criteria: ENIGMA BRCA1/2 Classification Criteria (2017-06-29). Collection method: curation. Allele origin: germline.
Comment: Synonymous substitution variant, with low bioinformatic likelihood to result in a splicing aberration (Splicing prior probability 0.02).

Ambry Genetics
Classification: Likely benign for Hereditary cancer-predisposing syndrome. Last evaluated: 2014-11-17. Review status: criteria provided, single submitter. Criteria: Ambry Variant Classification Scheme 2023. Collection method: clinical testing. Allele origin: germline. Not counted in ClinVar's aggregate classification.

NM_000059.4(BRCA2):c.9576C>T (p.Ser3192=)

Gene: BRCA2 (BRCA2 DNA repair associated; plus strand). Cytogenetic location: 13q13.1.
Variant type: single nucleotide variant.
Coding change: c.9576C>T on transcript NM_000059.4 (MANE Select); coding-DNA position 9576, C replaced by T.
Protein change: p.Ser3192=; no amino-acid change (serine 3192 retained).
Molecular consequence: synonymous variant.
Genome position (GRCh38, 1-based): chr13:32,396,972, C>T. VCF-style: chr13-32396972-C-T. GRCh37 (hg19) VCF-style: chr13-32971109-C-T.
Identifiers: ClinVar variation 184365 (VCV000184365.7), dbSNP rs786201423, ClinGen allele CA026219.